The following is an entry in ClinVar:

NC_000017.10:g.(?_56769986)_(56801482_?)dup

Gene: RAD51C (RAD51 paralog C; plus strand). Cytogenetic location: 17q22.
Variant type: Duplication.
Identifiers: ClinVar variation 1054513 (VCV001054513.2).

ClinVar aggregate classification (germline): Uncertain significance (1 of 4 stars; one submission).

Conditions:
Fanconi anemia complementation group O. Also called: RAD51C-Related Fanconi Anemia. Identifiers: Orphanet 84, MedGen C3150653, MONDO:0013248, OMIM 613390.

Submission:

Labcorp Genetics (formerly Invitae), Labcorp
Classification: Uncertain significance for Fanconi anemia complementation group O. Last evaluated: 2021-10-02. Review status: criteria provided, single submitter. Criteria: Invitae Variant Classification Sherloc (09022015). Collection method: clinical testing. Allele origin: germline.
Comment: This variant results in a copy number gain of the genomic region encompassing exon(s) 1-7 of the RAD51C gene. This region includes the initiator codon of the gene. This copy number gain extends beyond the assayed region for this gene and therefore may encompass additional genes. As the precise location of this event is unknown, it may be in tandem or it may be located elsewhere in the genome. A similar copy number variant has been observed in individual(s) with breast and/or ovarian cancer or breast cancer and basal cell carcinoma (PMID: 28802053). Experimental studies and prediction algorithms are not available or were not evaluated, and the functional significance of this variant is currently unknown. In summary, the available evidence is currently insufficient to determine the role of this variant in disease. Therefore, it has been classified as a Variant of Uncertain Significance.

Literature cited by the submitters: PubMed 28802053.